The following is an entry in ClinVar:

ClinVar aggregate classification (germline): Uncertain significance (1 of 4 stars; one submission).

Conditions:
Bardet-Biedl syndrome (BBS). Identifiers: Orphanet 110, MedGen C0752166, MONDO:0015229.

Submission:

Labcorp Genetics (formerly Invitae), Labcorp
Classification: Uncertain significance for Bardet-Biedl syndrome. Last evaluated: 2021-07-08. Review status: criteria provided, single submitter. Criteria: Invitae Variant Classification Sherloc (09022015). Collection method: clinical testing. Allele origin: germline.
Comment: In summary, the available evidence is currently insufficient to determine the role of this variant in disease. Therefore, it has been classified as a Variant of Uncertain Significance. Algorithms developed to predict the effect of missense changes on protein structure and function (SIFT, PolyPhen-2, Align-GVGD) all suggest that this variant is likely to be tolerated. This variant has not been reported in the literature in individuals affected with TTC8-related conditions. This variant is not present in population databases (ExAC no frequency). This sequence change replaces tryptophan with glycine at codon 12 of the TTC8 protein (p.Trp12Gly). The tryptophan residue is moderately conserved and there is a large physicochemical difference between tryptophan and glycine.

NM_144596.4(TTC8):c.34T>G (p.Trp12Gly)

Gene: TTC8 (tetratricopeptide repeat domain 8; plus strand). Cytogenetic location: 14q31.3.
Variant type: single nucleotide variant.
Coding change: c.34T>G on transcript NM_144596.4 (MANE Select); coding-DNA position 34, T replaced by G.
Protein change: p.Trp12Gly; replaces tryptophan 12 with glycine.
Molecular consequence: missense variant. On other transcripts: 5 prime UTR variant (2), non-coding transcript variant (1).
Genome position (GRCh38, 1-based): chr14:88,824,741, T>G. VCF-style: chr14-88824741-T-G. GRCh37 (hg19) VCF-style: chr14-89291085-T-G.
Other names: c.34T>G, p.Trp12Gly (NM_001288781.1, NM_001366535.2, NM_001366536.2 and 2 more transcripts); c.-529T>G (NM_001288782.1); c.-624T>G (NM_001288783.1); short protein forms W12G.
Identifiers: ClinVar variation 1366355 (VCV001366355.8), dbSNP rs2140944058, ClinGen allele CA390567621.